The following is an entry in ClinVar:

NM_000485.3(APRT):c.392C>A (p.Ala131Asp)

Gene: APRT (adenine phosphoribosyltransferase; minus strand). Cytogenetic location: 16q24.3.
Variant type: single nucleotide variant.
Coding change: c.392C>A on transcript NM_000485.3 (MANE Select); coding-DNA position 392, C replaced by A.
Protein change: p.Ala131Asp; replaces alanine 131 with aspartic acid.
Molecular consequence: missense variant.
Genome position (GRCh38, 1-based): chr16:88,810,078, G>T on the plus strand (C>A on the coding strand, the complement: APRT is on the minus strand). VCF-style: chr16-88810078-G-T. GRCh37 (hg19) VCF-style: chr16-88876486-G-T.
Other names: c.392C>A, p.Ala131Asp (NM_001030018.2); short protein forms A131D.
Identifiers: ClinVar variation 3581344 (VCV003581344.2).
Genomic context (GRCh38, chr16:88,810,078, plus strand): 5'-ACTCCCACCAGGCCCTTGGAGCCACAGCAGTTGGCTGCGGGGAGACCCTTACCACCAGTG[G>T]CCAGCAGATCATCCACGACGACCACCCTCTGTCCTGGCTCCAGGGCGTCTTTCTGAATCT-3'
Protein context (NP_000476.1, residues 121-141): QRVVVVDDLL[Ala131Asp]TGGTMNAACE

ClinVar aggregate classification (germline): Conflicting classifications of pathogenicity. Review status: criteria provided, conflicting classifications (1 of 4 stars). 2 submissions from 2 submitters: Likely pathogenic (1); Uncertain significance (1). Last evaluated 2025-09-18.

Conditions:
Adenine phosphoribosyltransferase deficiency (APRTD). Also called: APRT DEFICIENCY; NEPHROLITHIASIS, DHA; Urolithiasis, dha; 2,8-dihydroxyadenine urolithiasis. Identifiers: Orphanet 976, MedGen C0268120, MONDO:0013869, OMIM 614723.

Submissions (2):

MVZ Medizinische Genetik Mainz
Classification: Likely pathogenic for Adenine phosphoribosyltransferase deficiency. Last evaluated: 2025-09-18. Review status: criteria provided, single submitter. Criteria: UK Practice Guidelines For Variant Classification V4 01 2020. Collection method: clinical testing. Allele origin: germline. Inheritance: Autosomal recessive inheritance. Affected: yes. Observed: 1 variant allele.
Comment: ACMG Criteria: PP3_STR,PM2_SUP,PM3_SUP,PP4

Fulgent Genetics
Classification: Uncertain significance for Adenine phosphoribosyltransferase deficiency. Last evaluated: 2024-02-23. Review status: criteria provided, single submitter. Criteria: ACMG Guidelines, 2015. Collection method: clinical testing. Allele origin: germline.